The following is an entry in ClinVar:

NM_020699.4(GATAD2B):c.900G>A (p.Pro300=)

Gene: GATAD2B (GATA zinc finger domain containing 2B; minus strand). Cytogenetic location: 1q21.3.
Variant type: single nucleotide variant.
Coding change: c.900G>A on transcript NM_020699.4 (MANE Select); coding-DNA position 900, G replaced by A.
Protein change: p.Pro300=; no amino-acid change (proline 300 retained).
Molecular consequence: synonymous variant.
Genome position (GRCh38, 1-based): chr1:153,817,372, C>T on the plus strand (G>A on the coding strand, the complement: GATAD2B is on the minus strand). VCF-style: chr1-153817372-C-T. GRCh37 (hg19) VCF-style: chr1-153789848-C-T.
Identifiers: ClinVar variation 1337187 (VCV001337187.19), dbSNP rs376882053, ClinGen allele CA1120748.
Genomic context (GRCh38, chr1:153,817,372, plus strand): 5'-ACAAGCAAAGCAAACAAAGGGATTTCTCTGTTTCCACATTAGGGCTCAGCTCTCTCTTAC[C>T]GGTTGATAATTGATGGCGGGATTCATGTTGGGTGTTGTGGTGCGTACAAGGCCAGGCTTA-3'
Protein context (NP_065750.1, residues 290-310): PNMNPAINYQ[Pro300=]QSSSSVPCQR

ClinVar aggregate classification (germline): Conflicting classifications of pathogenicity. Review status: criteria provided, conflicting classifications (1 of 4 stars). 3 submissions from 3 submitters: Uncertain significance (1); Likely benign (2). Last evaluated 2025-08-01.

Allele frequency attached by ClinVar (database versions not stated): ExAC 0.00001; gnomAD 0.00001; gnomAD exomes 0.00001; TOPMed 0.00003; ESP Exome Variant Server 0.00008.
gnomAD v4.1: 22 of 1,558,024 alleles (0.0014%); highest among the groups gnomAD compares: African/African-American, 0.0041%; no homozygotes.

Submissions (3):

CeGaT Center for Human Genetics Tuebingen
Classification: Likely benign. Last evaluated: 2025-08-01. Review status: criteria provided, single submitter. Criteria: CeGaT Center For Human Genetics Tuebingen Variant Classification Criteria Version 2. Collection method: clinical testing. Allele origin: germline. Affected: yes. Observed: 1 variant allele.
Comment: GATAD2B: BP4, BP7

Labcorp Genetics (formerly Invitae), Labcorp
Classification: Uncertain significance. Last evaluated: 2024-09-10. Review status: criteria provided, single submitter. Criteria: Invitae Variant Classification Sherloc (09022015). Collection method: clinical testing. Allele origin: germline.
Comment: This sequence change affects codon 300 of the GATAD2B mRNA. It is a 'silent' change, meaning that it does not change the encoded amino acid sequence of the GATAD2B protein. This variant also falls at the last nucleotide of exon 6, which is part of the consensus splice site for this exon. This variant is present in population databases (rs376882053, gnomAD 0.007%). This variant has not been reported in the literature in individuals affected with GATAD2B-related conditions. ClinVar contains an entry for this variant (Variation ID: 1337187). Variants that disrupt the consensus splice site are a relatively common cause of aberrant splicing (PMID: 17576681, 9536098). Algorithms developed to predict the effect of sequence changes on RNA splicing suggest that this variant may disrupt the consensus splice site. In summary, the available evidence is currently insufficient to determine the role of this variant in disease. Therefore, it has been classified as a Variant of Uncertain Significance.

Genetic Services Laboratory, University of Chicago
Classification: Likely benign. Last evaluated: 2019-05-21. Review status: criteria provided, single submitter. Criteria: ACMG Guidelines, 2015. Collection method: clinical testing. Allele origin: germline. Affected: no.

Literature cited by the submitters: PubMed 17576681 (cited by Labcorp Genetics (formerly Invitae), Labcorp); PubMed 9536098 (cited by Labcorp Genetics (formerly Invitae), Labcorp).